The following is an entry in ClinVar:

NM_000827.4(GRIA1):c.932G>A (p.Arg311Lys)

Gene: GRIA1 (glutamate ionotropic receptor AMPA type subunit 1; plus strand). Cytogenetic location: 5q33.2.
Variant type: single nucleotide variant.
Coding change: c.932G>A on transcript NM_000827.4 (MANE Select); coding-DNA position 932, G replaced by A.
Protein change: p.Arg311Lys; replaces arginine 311 with lysine.
Molecular consequence: missense variant. On other transcripts: non-coding transcript variant (2), intron variant (1).
Genome position (GRCh38, 1-based): chr5:153,677,064, G>A. VCF-style: chr5-153677064-G-A. GRCh37 (hg19) VCF-style: chr5-153056624-G-A.
Other names: c.932G>A, p.Arg311Lys (NM_001114183.2); c.692G>A, p.Arg231Lys (NM_001258019.2); c.647G>A, p.Arg216Lys (NM_001258020.2); c.962G>A, p.Arg321Lys (NM_001258021.2, NM_001258022.2); c.725G>A, p.Arg242Lys (NM_001258023.1, NM_001364167.2); c.959G>A, p.Arg320Lys (NM_001364166.2); c.861+2403G>A (NM_001364165.2); short protein forms R216K, R231K, R242K, R311K, R320K, R321K.
Identifiers: ClinVar variation 1722787 (VCV001722787.3), dbSNP rs1370479117, ClinGen allele CA361902521.

ClinVar aggregate classification (germline): Likely benign (1 of 4 stars; one submission).

Allele frequency attached by ClinVar (database versions not stated): gnomAD exomes below 0.00001.
gnomAD v4.1: 2 of 1,585,796 alleles (0.00013%); highest among the groups gnomAD compares: East Asian, 0.0023%; no homozygotes.

Submission:

GeneDx
Classification: Likely benign. Last evaluated: 2024-03-01. Review status: criteria provided, single submitter. Criteria: GeneDx Variant Classification Process June 2021. Collection method: clinical testing. Allele origin: germline. Affected: yes.
Comment: See Variant Classification Assertion Criteria.